The following is an entry in ClinVar:

ClinVar aggregate classification (germline): Uncertain significance (1 of 4 stars; one submission).

Conditions:
DICER1-related tumor predisposition. Also called: DICER1-related pleuropulmonary blastoma cancer predisposition syndrome; DICER1 syndrome. Identifiers: Orphanet 284343, MedGen C3839822, MONDO:0100216.

Submission:

Labcorp Genetics (formerly Invitae), Labcorp
Classification: Uncertain significance for DICER1-related tumor predisposition. Last evaluated: 2024-09-04. Review status: criteria provided, single submitter. Criteria: Invitae Variant Classification Sherloc (09022015). Collection method: clinical testing. Allele origin: germline.
Comment: This sequence change replaces tryptophan, which is neutral and slightly polar, with arginine, which is basic and polar, at codon 32 of the DICER1 protein (p.Trp32Arg). This variant is not present in population databases (gnomAD no frequency). This variant has not been reported in the literature in individuals affected with DICER1-related conditions. ClinVar contains an entry for this variant (Variation ID: 1421440). An algorithm developed to predict the effect of missense changes on protein structure and function (PolyPhen-2) suggests that this variant is likely to be disruptive. In summary, the available evidence is currently insufficient to determine the role of this variant in disease. Therefore, it has been classified as a Variant of Uncertain Significance.

NM_177438.3(DICER1):c.94T>C (p.Trp32Arg)

Gene: DICER1 (dicer 1, ribonuclease III; minus strand). Cytogenetic location: 14q32.13.
Variant type: single nucleotide variant.
Coding change: c.94T>C on transcript NM_177438.3 (MANE Select); coding-DNA position 94, T replaced by C.
Protein change: p.Trp32Arg; replaces tryptophan 32 with arginine.
Molecular consequence: missense variant.
Genome position (GRCh38, 1-based): chr14:95,133,365, A>G on the plus strand (T>C on the coding strand, the complement: DICER1 is on the minus strand). VCF-style: chr14-95133365-A-G. GRCh37 (hg19) VCF-style: chr14-95599702-A-G.
Other names: c.94T>C, p.Trp32Arg (NM_001195573.1, NM_001271282.3, NM_001291628.2 and 1 more transcripts); short protein forms W32R.
Identifiers: ClinVar variation 1421440 (VCV001421440.9), dbSNP rs2140295654, ClinGen allele CA390890491.